The following is an entry in ClinVar:

ClinVar aggregate classification (germline): Likely pathogenic (0 of 4 stars; one submission).

Conditions:
F5-related disorder. Also called: F5-related condition.

Submission:

PreventionGenetics, part of Exact Sciences
Classification: Likely pathogenic for F5-related condition. Last evaluated: 2024-07-10. Review status: no assertion criteria provided. Collection method: clinical testing. Allele origin: germline.
Comment: The F5 c.6361C>T variant is predicted to result in premature protein termination (p.Gln2121*). To our knowledge, this variant has not been reported in the literature or in a large population database, indicating this variant is rare. Nonsense variants in F5 are expected to be pathogenic. This variant is interpreted as likely pathogenic.

NM_000130.5(F5):c.6361C>T (p.Gln2121Ter)

Gene: F5 (coagulation factor V; minus strand). Cytogenetic location: 1q24.2.
Variant type: single nucleotide variant.
Coding change: c.6361C>T on transcript NM_000130.5 (MANE Select); coding-DNA position 6361, C replaced by T.
Protein change: p.Gln2121Ter; replaces glutamine 2121 with a stop codon.
Molecular consequence: nonsense.
Genome position (GRCh38, 1-based): chr1:169,515,611, G>A on the plus strand (C>T on the coding strand, the complement: F5 is on the minus strand). VCF-style: chr1-169515611-G-A. GRCh37 (hg19) VCF-style: chr1-169484849-G-A.
Other names: short protein forms Q2121*.
Identifiers: ClinVar variation 3346463 (VCV003346463.1).